The following is an entry in ClinVar:

NM_001004311.3(FIGLA):c.625G>A (p.Val209Ile)

Gene: FIGLA (folliculogenesis specific bHLH transcription factor; minus strand). Cytogenetic location: 2p13.3.
Variant type: single nucleotide variant.
Coding change: c.625G>A on transcript NM_001004311.3 (MANE Select); coding-DNA position 625, G replaced by A.
Protein change: p.Val209Ile; replaces valine 209 with isoleucine.
Molecular consequence: missense variant.
Genome position (GRCh38, 1-based): chr2:70,777,656, C>T on the plus strand (G>A on the coding strand, the complement: FIGLA is on the minus strand). VCF-style: chr2-70777656-C-T. GRCh37 (hg19) VCF-style: chr2-71004788-C-T.
Other names: short protein forms V209I.
Identifiers: ClinVar variation 895185 (VCV000895185.5), dbSNP rs186548772, ClinGen allele CA1699605.
Genomic context (GRCh38, chr2:70,777,656, plus strand): 5'-TTATAAATTGGCACTATGCATCAGGTTATAGAATGACCTACCTGTGACTCAGCAGTTCTA[C>T]TTCTGGGAATCTATCCTGCAAAAACAATACAAAATACAGAAAGGGCTAAACACATCGGTT-3'
Protein context (NP_001004311.2, residues 199-219): PTRSLDRFPE[Val209Ile]ELLSHRLPQV

ClinVar aggregate classification (germline): Benign. Review status: criteria provided, single submitter (1 of 4 stars). 2 submissions from 2 submitters: Benign (1). 1 of the submissions does not count toward it. Last evaluated 2018-01-12.

Conditions:
Premature ovarian failure 6 (POF6). Identifiers: MedGen C2676742, MONDO:0012861, OMIM 612310.
FIGLA-related condition.

Allele frequency attached by ClinVar (database versions not stated): gnomAD 0.00009 and 0.00015; gnomAD exomes 0.00011 and 0.00014; TOPMed 0.00012; ExAC 0.00027; 1000 Genomes Project 30x 0.00062; 1000 Genomes Project 0.00080.
gnomAD v4.1: 174 of 1,548,452 alleles (0.011%); highest among the groups gnomAD compares: East Asian, 0.32%; no homozygotes.

Submissions (2):

Illumina Laboratory Services, Illumina
Classification: Benign for Premature ovarian failure 6. Last evaluated: 2018-01-12. Review status: criteria provided, single submitter. Criteria: ICSL Variant Classification Criteria 13 December 2019. Collection method: clinical testing. Allele origin: germline.
Comment: This variant was observed in the ICSL laboratory as part of a predisposition screen in an ostensibly healthy population. It had not been previously curated by ICSL or reported in the Human Gene Mutation Database (HGMD: prior to June 1st, 2018), and was therefore a candidate for classification through an automated scoring system. Utilizing variant allele frequency, disease prevalence and penetrance estimates, and inheritance mode, an automated score was calculated to assess if this variant is too frequent to cause the disease. Based on the score and internal cut-off values, a variant classified as benign is not then subjected to further curation. The score for this variant resulted in a classification of benign for this disease.

PreventionGenetics, part of Exact Sciences
Classification: Likely benign for FIGLA-related condition. Last evaluated: 2024-08-26. Review status: no assertion criteria provided. Collection method: clinical testing. Allele origin: germline. Not counted in ClinVar's aggregate classification.
Comment: This variant is classified as likely benign based on ACMG/AMP sequence variant interpretation guidelines (Richards et al. 2015 PMID: 25741868, with internal and published modifications).